The following is an entry in ClinVar:

NM_001360.3(DHCR7):c.1354G>A (p.Ala452Thr)

Gene: DHCR7 (7-dehydrocholesterol reductase; minus strand). Cytogenetic location: 11q13.4.
Variant type: single nucleotide variant.
Coding change: c.1354G>A on transcript NM_001360.3 (MANE Select); coding-DNA position 1354, G replaced by A.
Protein change: p.Ala452Thr; replaces alanine 452 with threonine.
Molecular consequence: missense variant.
Genome position (GRCh38, 1-based): chr11:71,435,449, C>T on the plus strand (G>A on the coding strand, the complement: DHCR7 is on the minus strand). VCF-style: chr11-71435449-C-T. GRCh37 (hg19) VCF-style: chr11-71146495-C-T.
Other names: c.1354G>A, p.Ala452Thr (NM_001163817.2); short protein forms A452T.
Identifiers: ClinVar variation 1098789 (VCV001098789.10), dbSNP rs140400648, ClinGen allele CA6162250.

ClinVar aggregate classification (germline): Conflicting classifications of pathogenicity. Review status: criteria provided, conflicting classifications (1 of 4 stars). 5 submissions from 5 submitters: Uncertain significance (3); Likely benign (1). 1 of the submissions does not count toward it. Last evaluated 2025-10-06.

Conditions:
Smith-Lemli-Opitz syndrome (SLOS). Also called: 7-Dehydrocholesterol reductase deficiency; LETHAL ACRODYSGENITAL SYNDROME; POLYDACTYLY, SEX REVERSAL, RENAL HYPOPLASIA, AND UNILOBAR LUNG; RSH SYNDROME; RUTLEDGE LETHAL MULTIPLE CONGENITAL ANOMALY SYNDROME. Identifiers: Orphanet 818, MedGen C0175694, MONDO:0010035, OMIM 270400.

Allele frequency attached by ClinVar (database versions not stated): gnomAD 0.00002; TOPMed 0.00003; gnomAD exomes 0.00005 and 0.00006; ExAC 0.00007; 1000 Genomes Project 30x 0.00031; 1000 Genomes Project 0.00040.
gnomAD v4.1: 67 of 1,612,664 alleles (0.0042%); highest among the groups gnomAD compares: East Asian, 0.11%; no homozygotes.

Submissions (5):

Labcorp Genetics (formerly Invitae), Labcorp
Classification: Likely benign for Smith-Lemli-Opitz syndrome. Last evaluated: 2025-10-06. Review status: criteria provided, single submitter. Criteria: Invitae Variant Classification Sherloc (09022015). Collection method: clinical testing. Allele origin: germline.

Fulgent Genetics
Classification: Uncertain significance for Smith-Lemli-Opitz syndrome. Last evaluated: 2024-02-11. Review status: criteria provided, single submitter. Criteria: ACMG Guidelines, 2015. Collection method: clinical testing. Allele origin: germline.

GeneDx
Classification: Uncertain significance. Last evaluated: 2021-08-16. Review status: criteria provided, single submitter. Criteria: GeneDx Variant Classification Process June 2021. Collection method: clinical testing. Allele origin: germline. Affected: yes.
Comment: Missense variants in this gene are often considered pathogenic (Stenson et al., 2014); In silico analysis supports that this missense variant does not alter protein structure/function; This variant is associated with the following publications: (PMID: 29300326)

Women's Health and Genetics/Laboratory Corporation of America, LabCorp
Classification: Uncertain significance. Last evaluated: 2021-05-09. Review status: criteria provided, single submitter. Criteria: LabCorp Variant Classification Summary - May 2015. Collection method: clinical testing. Allele origin: germline.
Comment: Variant summary: DHCR7 c.1354G>A (p.Ala452Thr) results in a non-conservative amino acid change located in the Sterol reductase, conserved site domain (IPR018083) of the encoded protein sequence. Three of five in-silico tools predict a benign effect of the variant on protein function. The variant allele was found at a frequency of 6.4e-05 in 248404 control chromosomes. This frequency is not significantly higher than expected for a pathogenic variant in DHCR7 causing Smith-Lemli-Opitz Syndrome (6.4e-05 vs 0.0043), allowing no conclusion about variant significance. To our knowledge, no occurrence of c.1354G>A in individuals affected with Smith-Lemli-Opitz Syndrome and no experimental evidence demonstrating its impact on protein function have been reported. No clinical diagnostic laboratories have submitted clinical-significance assessments for this variant to ClinVar after 2014. Based on the evidence outlined above, the variant was classified as uncertain significance.

Natera, Inc.
Classification: Uncertain significance for Smith-Lemli-Opitz syndrome. Last evaluated: 2018-09-16. Review status: no assertion criteria provided. Collection method: clinical testing. Allele origin: germline. Not counted in ClinVar's aggregate classification.